The following is an entry in ClinVar:

NM_000051.4(ATM):c.1672G>A (p.Gly558Arg)

Gene: ATM (ATM serine/threonine kinase; plus strand). Cytogenetic location: 11q22.3.
Variant type: single nucleotide variant.
Coding change: c.1672G>A on transcript NM_000051.4 (MANE Select); coding-DNA position 1672, G replaced by A.
Protein change: p.Gly558Arg; replaces glycine 558 with arginine.
Molecular consequence: missense variant.
Genome position (GRCh38, 1-based): chr11:108,251,901, G>A. VCF-style: chr11-108251901-G-A. GRCh37 (hg19) VCF-style: chr11-108122628-G-A.
Other names: c.1672G>A, p.Gly558Arg (NM_001351834.2); short protein forms G558R.
Identifiers: ClinVar variation 2568249 (VCV002568249.2), dbSNP rs2135340694, ClinGen allele CA382535127.

ClinVar aggregate classification (germline): Uncertain significance (1 of 4 stars; one submission).

Conditions:
Hereditary cancer-predisposing syndrome. Also called: Hereditary neoplastic syndrome; Hereditary Cancer Syndrome; Neoplastic Syndromes, Hereditary; Tumor predisposition. Identifiers: Orphanet 140162, MedGen C0027672, MeSH D009386, MONDO:0015356.

Submission:

Ambry Genetics
Classification: Uncertain significance for Hereditary cancer-predisposing syndrome. Last evaluated: 2023-06-11. Review status: criteria provided, single submitter. Criteria: Ambry Variant Classification Scheme 2023. Collection method: clinical testing. Allele origin: germline.
Comment: The p.G558R variant (also known as c.1672G>A), located in coding exon 10 of the ATM gene, results from a G to A substitution at nucleotide position 1672. The glycine at codon 558 is replaced by arginine, an amino acid with dissimilar properties. This amino acid position is conserved. In addition, this alteration is predicted to be tolerated by in silico analysis. Since supporting evidence is limited at this time, the clinical significance of this alteration remains unclear.